The following is an entry in ClinVar:

ClinVar aggregate classification (germline): Benign/Likely benign. Review status: criteria provided, multiple submitters, no conflicts (2 of 4 stars). 6 submissions from 6 submitters: Benign (1); Likely benign (4). 1 of the submissions does not count toward it. Last evaluated 2026-08-01.

Conditions:
LAMA1-related disorder. Also called: LAMA1-related disorders; LAMA1-related condition.

Allele frequency attached by ClinVar (database versions not stated): gnomAD 0.00148 and 0.00169; TOPMed 0.00171; ExAC 0.00241; gnomAD exomes 0.00243 and 0.00282; 1000 Genomes Project 30x 0.00265; 1000 Genomes Project 0.00280; ESP Exome Variant Server 0.00123.
gnomAD v4.1: 4,353 of 1,614,158 alleles (0.27%); highest among the groups gnomAD compares: South Asian, 0.81%; 16 homozygotes.

Submissions (6):

CeGaT Center for Human Genetics Tuebingen
Classification: Likely benign. Last evaluated: 2026-08-01. Review status: criteria provided, single submitter. Criteria: CeGaT Center For Human Genetics Tuebingen Variant Classification Criteria Version 2. Collection method: clinical testing. Allele origin: germline. Affected: yes. Observed: 9 variant alleles.
Comment: LAMA1: BS2

Labcorp Genetics (formerly Invitae), Labcorp
Classification: Likely benign. Last evaluated: 2026-01-15. Review status: criteria provided, single submitter. Criteria: Invitae Variant Classification Sherloc (09022015). Collection method: clinical testing. Allele origin: germline.

Blueprint Genetics
Classification: Likely benign. Last evaluated: 2024-11-27. Review status: criteria provided, single submitter. Criteria: ACMG Guidelines, 2015. Collection method: clinical testing. Allele origin: germline.

Mayo Clinic Laboratories, Mayo Clinic
Classification: Benign. Last evaluated: 2024-01-04. Review status: criteria provided, single submitter. Criteria: ACMG Guidelines, 2015. Collection method: clinical testing. Allele origin: germline. Observed: 4 variant alleles.
Comment: BS1, BS2

Breakthrough Genomics
Classification: Likely benign. Review status: criteria provided, single submitter. Criteria: ACMG Guidelines, 2015. Collection method: not provided. Allele origin: germline. Inheritance: Autosomal recessive inheritance. Affected: yes.

PreventionGenetics, part of Exact Sciences
Classification: Likely benign for LAMA1-related condition. Last evaluated: 2020-12-17. Review status: no assertion criteria provided. Collection method: clinical testing. Allele origin: germline. Not counted in ClinVar's aggregate classification.
Comment: This variant is classified as likely benign based on ACMG/AMP sequence variant interpretation guidelines (Richards et al. 2015 PMID: 25741868, with internal and published modifications).

NM_005559.4(LAMA1):c.7141C>T (p.Arg2381Cys)

Gene: LAMA1 (laminin subunit alpha 1; minus strand). Cytogenetic location: 18p11.31.
Variant type: single nucleotide variant.
Coding change: c.7141C>T on transcript NM_005559.4 (MANE Select); coding-DNA position 7141, C replaced by T.
Protein change: p.Arg2381Cys; replaces arginine 2381 with cysteine.
Molecular consequence: missense variant.
Genome position (GRCh38, 1-based): chr18:6,965,342, G>A on the plus strand (C>T on the coding strand, the complement: LAMA1 is on the minus strand). VCF-style: chr18-6965342-G-A. GRCh37 (hg19) VCF-style: chr18-6965341-G-A.
Other names: p.Arg2381Cys; short protein forms R2381C.
Identifiers: ClinVar variation 771771 (VCV000771771.43), dbSNP rs142063208, ClinGen allele CA8881006.